The following is an entry in ClinVar:

ClinVar aggregate classification (germline): Benign/Likely benign. Review status: criteria provided, multiple submitters, no conflicts (2 of 4 stars). 7 submissions from 7 submitters: Benign (2); Likely benign (4). 1 of the submissions does not count toward it. Last evaluated 2026-01-12.

Conditions:
Inborn genetic diseases. Identifiers: MedGen C0950123, MeSH D030342.
MEF2C-related disorder. Also called: MEF2C-related condition; MEF2C-related disorders. Identifiers: MedGen CN381096.
Neurodevelopmental disorder with hypotonia, stereotypic hand movements, and impaired language. Also called: Intellectual disability, autosomal dominant 20. Identifiers: Orphanet 228384, Orphanet 664410, MedGen C3150700, MONDO:0013266, OMIM 613443.

Allele frequency attached by ClinVar (database versions not stated): gnomAD 0.00010; gnomAD exomes 0.00010 and 0.00051; TOPMed 0.00031; ExAC 0.00040.
gnomAD v4.1: 160 of 1,613,946 alleles (0.0099%); highest among the groups gnomAD compares: Admixed American, 0.24%; no homozygotes.

Submissions (7):

Labcorp Genetics (formerly Invitae), Labcorp
Classification: Benign for Neurodevelopmental disorder with hypotonia, stereotypic hand movements, and impaired language. Last evaluated: 2026-01-12. Review status: criteria provided, single submitter. Criteria: Invitae Variant Classification Sherloc (09022015). Collection method: clinical testing. Allele origin: germline.

CeGaT Center for Human Genetics Tuebingen
Classification: Likely benign. Last evaluated: 2025-02-01. Review status: criteria provided, single submitter. Criteria: CeGaT Center For Human Genetics Tuebingen Variant Classification Criteria Version 2. Collection method: clinical testing. Allele origin: germline. Affected: yes. Observed: 2 variant alleles.
Comment: MEF2C: BP4, BP7, BS1

Blueprint Genetics
Classification: Likely benign. Last evaluated: 2022-06-22. Review status: criteria provided, single submitter. Criteria: ACMG Guidelines, 2015. Collection method: clinical testing. Allele origin: germline.

Eurofins Ntd Llc (ga)
Classification: Likely benign. Last evaluated: 2017-07-19. Review status: criteria provided, single submitter. Criteria: EGL Classification Definitions 2015. Collection method: clinical testing. Allele origin: germline. Observed: 1 variant allele, 1 heterozygote.

Ambry Genetics
Classification: Likely benign for Inborn genetic diseases. Last evaluated: 2016-03-14. Review status: criteria provided, single submitter. Criteria: Ambry Variant Classification Scheme 2023. Collection method: clinical testing. Allele origin: germline.

GeneDx
Classification: Benign. Last evaluated: 2015-03-03. Review status: criteria provided, single submitter. Criteria: GeneDx Variant Classification Process June 2021. Collection method: clinical testing. Allele origin: germline. Affected: yes.

PreventionGenetics, part of Exact Sciences
Classification: Likely benign for MEF2C-related condition. Last evaluated: 2019-07-18. Review status: no assertion criteria provided. Collection method: clinical testing. Allele origin: germline. Not counted in ClinVar's aggregate classification.
Comment: This variant is classified as likely benign based on ACMG/AMP sequence variant interpretation guidelines (Richards et al. 2015 PMID: 25741868, with internal and published modifications).

NM_002397.5(MEF2C):c.180C>T (p.Thr60=)

Gene: MEF2C (myocyte enhancer factor 2C; minus strand). Cytogenetic location: 5q14.3.
Variant type: single nucleotide variant.
Coding change: c.180C>T on transcript NM_002397.5 (MANE Select); coding-DNA position 180, C replaced by T.
Protein change: p.Thr60=; no amino-acid change (threonine 60 retained).
Molecular consequence: synonymous variant.
Genome position (GRCh38, 1-based): chr5:88,804,676, G>A on the plus strand (C>T on the coding strand, the complement: MEF2C is on the minus strand). VCF-style: chr5-88804676-G-A. GRCh37 (hg19) VCF-style: chr5-88100493-G-A.
Other names: c.180C>T, p.Thr60= (NM_001131005.2, NM_001193347.1, NM_001193348.1 and 29 more transcripts).
Identifiers: ClinVar variation 487206 (VCV000487206.41), dbSNP rs773278207, ClinGen allele CA3337372.
Genomic context (GRCh38, chr5:88,804,676, plus strand): 5'-TGTCCGGCTCTCATGCGGCTCGTTGTACTCCGTGTACTTGAGAAGCACTTTGTCCATGTC[G>A]GTGCTGGCATACTGGAACAGCTTGTTGGTGCTGTTGAAGATGATCAGCGCAATCTCACAG-3'
Protein context (NP_002388.2, residues 50-70): STNKLFQYAS[Thr60=]DMDKVLLKYT